The following is an entry in ClinVar:

NM_001848.3(COL6A1):c.833G>T (p.Gly278Val)

Gene: COL6A1 (collagen type VI alpha 1 chain; plus strand). Cytogenetic location: 21q22.3.
Variant type: single nucleotide variant.
Coding change: c.833G>T on transcript NM_001848.3 (MANE Select); coding-DNA position 833, G replaced by T.
Protein change: p.Gly278Val; replaces glycine 278 with valine.
Molecular consequence: missense variant.
Genome position (GRCh38, 1-based): chr21:45,989,112, G>T. VCF-style: chr21-45989112-G-T. GRCh37 (hg19) VCF-style: chr21-47409026-G-T.
Other names: short protein forms G278V.
Identifiers: ClinVar variation 2910471 (VCV002910471.3), dbSNP rs886043106, ClinGen allele CA410521526.

ClinVar aggregate classification (germline): Pathogenic (1 of 4 stars; one submission).

Conditions:
Bethlem myopathy 1A. Also called: MYOPATHY, BENIGN CONGENITAL, WITH CONTRACTURES; Bethlem myopathy 1; Bethlem Muscular Dystrophy. Identifiers: Orphanet 610, MedGen CN029274, MONDO:0024530, OMIM 158810.

Submission:

Labcorp Genetics (formerly Invitae), Labcorp
Classification: Pathogenic for Bethlem myopathy 1A. Last evaluated: 2023-12-30. Review status: criteria provided, single submitter. Criteria: Invitae Variant Classification Sherloc (09022015). Collection method: clinical testing. Allele origin: germline.
Comment: This sequence change replaces glycine, which is neutral and non-polar, with valine, which is neutral and non-polar, at codon 278 of the COL6A1 protein (p.Gly278Val). This variant is not present in population databases (gnomAD no frequency). This missense change has been observed in individual(s) with Ullrich congenital muscular dystrophy (PMID: 29419890). In at least one individual the variant was observed to be de novo. Advanced modeling of protein sequence and biophysical properties (such as structural, functional, and spatial information, amino acid conservation, physicochemical variation, residue mobility, and thermodynamic stability) performed at Invitae indicates that this missense variant is expected to disrupt COL6A1 protein function with a positive predictive value of 80%. This variant disrupts the triple helix domain of COL6A1. Glycine residues within the Gly-Xaa-Yaa repeats of the triple helix domain are required for the structure and stability of fibrillar collagens (PMID: 7695699, 8218237, 19344236). In COL6A1, variants at these glycine residues are significantly enriched in individuals with autosomal dominant disease (PMID: 15689448, 24038877) compared to the general population (ExAC). For these reasons, this variant has been classified as Pathogenic.

Literature cited by the submitters: PubMed 29419890; PubMed 7695699; PubMed 8218237; PubMed 19344236; PubMed 15689448; PubMed 24038877.